The following is an entry in ClinVar:

ClinVar aggregate classification (germline): Benign/Likely benign. Review status: criteria provided, multiple submitters, no conflicts (2 of 4 stars). 9 submissions from 9 submitters: Benign (2); Likely benign (4). 3 of the submissions do not count toward it. Last evaluated 2026-01-19.

Conditions:
LRRK2-related disorder. Also called: LRRK2-related condition.
Inborn genetic diseases. Identifiers: MedGen C0950123, MeSH D030342.
Autosomal dominant Parkinson disease 8. Also called: LRRK2-Related Parkinson Disease; Parkinson disease 8; Parkinson disease 8, susceptibility to. Identifiers: Orphanet 411602, MedGen C1846862, MONDO:0011764, OMIM 607060.

Allele frequency attached by ClinVar (database versions not stated): gnomAD exomes 0.00061; ExAC 0.00078; gnomAD 0.00268 and 0.00293; 1000 Genomes Project 30x 0.00281; 1000 Genomes Project 0.00300; ESP Exome Variant Server 0.00300; TOPMed 0.00303.
gnomAD v4.1: 747 of 1,611,606 alleles (0.046%); highest among the groups gnomAD compares: African/African-American, 0.92%; 2 homozygotes.

Submissions (9):

Labcorp Genetics (formerly Invitae), Labcorp
Classification: Benign for Autosomal dominant Parkinson disease 8. Last evaluated: 2026-01-19. Review status: criteria provided, single submitter. Criteria: Invitae Variant Classification Sherloc (09022015). Collection method: clinical testing. Allele origin: germline.

CeGaT Center for Human Genetics Tuebingen
Classification: Likely benign. Last evaluated: 2026-01-01. Review status: criteria provided, single submitter. Criteria: CeGaT Center For Human Genetics Tuebingen Variant Classification Criteria Version 2. Collection method: clinical testing. Allele origin: germline. Affected: yes. Observed: 1 variant allele.
Comment: LRRK2: BP4, BP7, BS1

Ambry Genetics
Classification: Likely benign for Inborn genetic diseases. Last evaluated: 2022-02-13. Review status: criteria provided, single submitter. Criteria: Ambry Variant Classification Scheme 2023. Collection method: clinical testing. Allele origin: germline.

GeneDx
Classification: Benign. Last evaluated: 2021-05-04. Review status: criteria provided, single submitter. Criteria: GeneDx Variant Classification Process June 2021. Collection method: clinical testing. Allele origin: germline. Affected: yes.

Illumina Laboratory Services, Illumina
Classification: Likely benign for Autosomal dominant Parkinson disease 8. Last evaluated: 2017-04-27. Review status: criteria provided, single submitter. Criteria: ICSL Variant Classification Criteria 13 December 2019. Collection method: clinical testing. Allele origin: germline.
Comment: This variant was observed as part of a predisposition screen in an ostensibly healthy population. A literature search was performed for the gene, cDNA change, and amino acid change (where applicable). Publications were found based on this search. The evidence from the literature, in combination with allele frequency data from public databases where available, was sufficient to determine this variant is unlikely to cause disease. Therefore, this variant is classified as likely benign.

Breakthrough Genomics
Classification: Likely benign. Review status: criteria provided, single submitter. Criteria: ACMG Guidelines, 2015. Collection method: not provided. Allele origin: germline. Inheritance: Autosomal dominant inheritance. Affected: yes.

PreventionGenetics, part of Exact Sciences
Classification: Benign for LRRK2-related condition. Last evaluated: 2019-06-07. Review status: no assertion criteria provided. Collection method: clinical testing. Allele origin: germline. Not counted in ClinVar's aggregate classification.
Comment: This variant is classified as benign based on ACMG/AMP sequence variant interpretation guidelines (Richards et al. 2015 PMID: 25741868, with internal and published modifications).

Department of Pathology and Laboratory Medicine, Sinai Health System
Classification: Uncertain significance. Review status: no assertion criteria provided. Collection method: clinical testing. Allele origin: unknown. Affected: yes. Study: The Canadian Open Genetics Repository (COGR). Not counted in ClinVar's aggregate classification.
Comment: The LRRK2 p.Ser1721Ser variant was identified in 5 of 14112 proband chromosomes (frequency: 0.00035) from individuals or families with Parkinson Disease (Yonova-Doing_2012_PMID:22445250; Ross_2011_PMID:21885347; Ross_2010_PMID:20669299). The variant was also identified in dbSNP (ID: rs79909111) and ClinVar (classified as likely benign by Illumina) but was not identified in Cosmic or LOVD 3.0. The variant was identified in control databases in 232 of 282064 chromosomes (2 homozygous) at a frequency of 0.000823 increasing the likelihood this could be a low frequency benign variant (Genome Aggregation Database Feb 27, 2017). The variant was observed in the following populations: African in 216 of 24934 chromosomes (freq: 0.008663), Latino in 14 of 35354 chromosomes (freq: 0.000396) and Other in 2 of 7194 chromosomes (freq: 0.000278), while the variant was not observed in the Ashkenazi Jewish, East Asian, European (Finnish), European (non-Finnish), or South Asian populations. The p.Ser1721Ser variant is not expected to have clinical significance because it does not result in a change of amino acid and is not located in a known consensus splice site. However, 3 of 4 in silico or computational prediction software programs (SpliceSiteFinder, MaxEntScan, NNSPLICE) predict a greater than 10% difference in splicing. However, this information is not predictive enough to assume pathogenicity. In summary, based on the above information the clinical significance of this variant cannot be determined with certainty at this time. This variant is classified as a variant of uncertain significance.

GeneReviews
No classification provided. Condition: Autosomal dominant Parkinson disease 8. Review status: no classification provided. Collection method: literature only. Allele origin: unknown. Not counted in ClinVar's aggregate classification.

Literature cited by the submitters: PubMed 22445250 (cited by Illumina Laboratory Services, Illumina); PubMed 20669299 (cited by Illumina Laboratory Services, Illumina); PubMed 20301387 (cited by GeneReviews); NCBI Bookshelf NBK1208 (cited by GeneReviews).

NM_198578.4(LRRK2):c.5163A>G (p.Ser1721=)

Gene: LRRK2 (leucine rich repeat kinase 2; plus strand). Cytogenetic location: 12q12.
Variant type: single nucleotide variant.
Coding change: c.5163A>G on transcript NM_198578.4 (MANE Select); coding-DNA position 5163, A replaced by G.
Protein change: p.Ser1721=; no amino-acid change (serine 1721 retained).
Molecular consequence: synonymous variant.
Genome position (GRCh38, 1-based): chr12:40,321,181, A>G. VCF-style: chr12-40321181-A-G. GRCh37 (hg19) VCF-style: chr12-40714983-A-G.
Identifiers: ClinVar variation 39203 (VCV000039203.30), dbSNP rs79909111, ClinGen allele CA343616.